The following is an entry in ClinVar:

ClinVar aggregate classification (germline): Conflicting classifications of pathogenicity. Review status: criteria provided, conflicting classifications (1 of 4 stars). 6 submissions from 6 submitters: Uncertain significance (4); Likely benign (2). Last evaluated 2026-06-22.

Conditions:
TTN-related disorder. Also called: TTN-related disorders; TTN-related condition; TTN-related disease.

Allele frequency attached by ClinVar (database versions not stated): gnomAD exomes 0.00001 and 0.00004; ExAC 0.00002; gnomAD 0.00003 and 0.00004; TOPMed 0.00004; ESP Exome Variant Server 0.00008; 1000 Genomes Project 0.00020; 1000 Genomes Project 30x 0.00031.
gnomAD v4.1: 20 of 1,614,136 alleles (0.0012%); highest among the groups gnomAD compares: Admixed American, 0.0083%; no homozygotes.

Submissions (6):

PreventionGenetics, part of Exact Sciences
Classification: Uncertain significance for TTN-related condition. Last evaluated: 2026-06-22. Review status: criteria provided, single submitter. Criteria: ACMG Guidelines, 2015. Collection method: clinical testing. Allele origin: germline.
Comment: The TTN c.2422C>T variant is predicted to result in the amino acid substitution p.Arg808Cys. To our knowledge, this variant has not been reported in the literature. This variant is reported in 0.012% of alleles in individuals of African descent in gnomAD. At this time, the clinical significance of this variant is uncertain due to the absence of conclusive functional and genetic evidence.

Molecular Diagnostic Laboratory for Inherited Cardiovascular Disease, Montreal Heart Institute
Classification: Likely benign. Last evaluated: 2025-04-09. Review status: criteria provided, single submitter. Criteria: ACMG Guidelines, 2015. Collection method: clinical testing. Allele origin: germline. Affected: no.

CeGaT Center for Human Genetics Tuebingen
Classification: Uncertain significance. Last evaluated: 2025-03-01. Review status: criteria provided, single submitter. Criteria: CeGaT Center For Human Genetics Tuebingen Variant Classification Criteria Version 2. Collection method: clinical testing. Allele origin: germline. Affected: yes. Observed: 1 variant allele.
Comment: TTN: PM2

Eurofins Ntd Llc (ga)
Classification: Uncertain significance. Last evaluated: 2018-08-29. Review status: criteria provided, single submitter. Criteria: EGL ClinVar v180209 classification definitions. Collection method: clinical testing. Allele origin: germline. Observed: 3 variant alleles, 3 heterozygotes.

GeneDx
Classification: Likely benign. Last evaluated: 2018-07-27. Review status: criteria provided, single submitter. Criteria: GeneDx Variant Classification Process June 2021. Collection method: clinical testing. Allele origin: germline. Affected: yes.

Laboratory for Molecular Medicine, Mass General Brigham Personalized Medicine
Classification: Uncertain significance. Last evaluated: 2015-04-08. Review status: criteria provided, single submitter. Criteria: LMM Criteria. Collection method: clinical testing. Allele origin: germline. Observed: 2 variant alleles.
Comment: It also has been identifie d in 1/66726 European chromosomes and 1/10404 African chromosomes by the Exome A ggregation Consortium (ExAC; dbSNP rs149155733). Computational prediction tools and conservation analysis suggest that this vari ant may impact the protein, though this information is not predictive enough to determine pathogenicity. In summary, the clinical significance of the p.Arg808Cy s variant is uncertain.

NM_001267550.2(TTN):c.2422C>T (p.Arg808Cys)

Gene: TTN (titin; minus strand). Cytogenetic location: 2q31.2.
Variant type: single nucleotide variant.
Coding change: c.2422C>T on transcript NM_001267550.2 (MANE Select); coding-DNA position 2422, C replaced by T.
Protein change: p.Arg808Cys; replaces arginine 808 with cysteine.
Molecular consequence: missense variant.
Genome position (GRCh38, 1-based): chr2:178,785,691, G>A on the plus strand (C>T on the coding strand, the complement: TTN is on the minus strand). VCF-style: chr2-178785691-G-A. GRCh37 (hg19) VCF-style: chr2-179650418-G-A.
Other names: p.R808C:CGC>TGC; c.2284C>T, p.Arg762Cys (NM_003319.4, NM_133432.3, NM_133437.4); c.2422C>T, p.Arg808Cys (NM_133379.5, NM_001256850.1, NM_133378.4); short protein forms R808C, R762C.
Identifiers: ClinVar variation 178273 (VCV000178273.21), dbSNP rs149155733, ClinGen allele CA181995.
Genomic context (GRCh38, chr2:178,785,691, plus strand): 5'-GTTCTGTCTTAGGAACAGAAATTTTTGAAACAGTAAAGTGAGGGCTAGCTGTGCGGGGGC[G>A]TTTATCCACATGGACTAATCTTTCCGTTGTTAGATCTGTAGTTTTCTTGATCTGCATTGA-3'
Protein context (NP_001254479.2, residues 798-818): TTERLVHVDK[Arg808Cys]PRTASPHFTV